The following is an entry in ClinVar:

ClinVar aggregate classification (germline): Pathogenic (1 of 4 stars; one submission).

Conditions:
Hereditary factor XI deficiency disease. Also called: PLASMA THROMBOPLASTIN ANTECEDENT DEFICIENCY; PTA DEFICIENCY; ROSENTHAL SYNDROME; Congenital factor XI deficiency. Identifiers: Orphanet 329, MedGen C0015523, MeSH D005173, MONDO:0012897, OMIM 612416.

Submission:

Myriad Genetics, Inc.
Classification: Pathogenic for Hereditary factor XI deficiency disease. Last evaluated: 2026-07-28. Review status: criteria provided, single submitter. Criteria: Myriad Autosomal Dominant, Autosomal Recessive and X-Linked Classification Criteria (2023). Collection method: clinical testing. Allele origin: unknown.
Comment: NM_000128.3(F11):c.1006delC(Q336Kfs*13) is expected to be pathogenic in the context of factor XI deficiency. This variant is predicted to lead to an abnormal or absent protein product due to the creation of a premature termination codon in F11, a gene where loss-of-function variants are known to be pathogenic. Please note: this variant was assessed in the context of healthy population screening.

NM_000128.4(F11):c.1006del (p.Gln336fs)

Gene: F11 (coagulation factor XI; plus strand). Cytogenetic location: 4q35.2.
Variant type: Deletion.
Coding change: c.1006del on transcript NM_000128.4 (MANE Select); coding-DNA position 1006, one base deleted (C; older notation c.1006delC).
Protein change: p.Gln336fs; shifts the reading frame from glutamine 336.
Molecular consequence: frameshift variant.
Genome position (GRCh38, 1-based): chr4:186,280,363, C deleted; the last of 3 consecutive C bases (chr4:186,280,361-186,280,363); deleting any one gives the same sequence. VCF-style (leftmost placement, unchanged base first): chr4-186280360-GC-G. GRCh37 (hg19) VCF-style: chr4-187201514-GC-G.
Other names: c.958del, p.Gln320fs (NM_001440590.1, NM_001440596.1); c.1006del, p.Gln336fs (NM_001440593.1); c.736del, p.Gln246fs (NM_001440605.1, NM_001440607.1); c.688del, p.Gln230fs (NM_001440606.1, NM_001440608.1); short protein forms Q230fs, Q246fs, Q320fs, Q336fs.
Identifiers: ClinVar variation 5016167 (VCV005016167.1).